The following is an entry in ClinVar:

ClinVar aggregate classification (germline): Uncertain significance. Review status: criteria provided, multiple submitters, no conflicts (2 of 4 stars). 2 submissions from 2 submitters: Uncertain significance (2). Last evaluated 2025-02-17.

Conditions:
Kabuki syndrome 2 (KABUK2). Also called: KDM6A-Related Kabuki Syndrome. Identifiers: Orphanet 2322, MedGen C3275495, MONDO:0010465, OMIM 300867.
Inborn genetic diseases. Identifiers: MedGen C0950123, MeSH D030342.

Allele frequency attached by ClinVar (database versions not stated): gnomAD exomes below 0.00001; TOPMed 0.00002.
gnomAD v4.1: 2 of 1,210,840 alleles (0.00017%); highest among the groups gnomAD compares: Admixed American, 0.0022%; no homozygotes.

Submissions (2):

Labcorp Genetics (formerly Invitae), Labcorp
Classification: Uncertain significance for Kabuki syndrome 2. Last evaluated: 2025-02-17. Review status: criteria provided, single submitter. Criteria: Invitae Variant Classification Sherloc (09022015). Collection method: clinical testing. Allele origin: germline.
Comment: This sequence change replaces glutamine, which is neutral and polar, with arginine, which is basic and polar, at codon 709 of the KDM6A protein (p.Gln709Arg). This variant is present in population databases (no rsID available, gnomAD 0.004%). This variant has not been reported in the literature in individuals affected with KDM6A-related conditions. ClinVar contains an entry for this variant (Variation ID: 2417625). Invitae Evidence Modeling of protein sequence and biophysical properties (such as structural, functional, and spatial information, amino acid conservation, physicochemical variation, residue mobility, and thermodynamic stability) indicates that this missense variant is not expected to disrupt KDM6A protein function with a negative predictive value of 80%. In summary, the available evidence is currently insufficient to determine the role of this variant in disease. Therefore, it has been classified as a Variant of Uncertain Significance.

Ambry Genetics
Classification: Uncertain significance for Inborn genetic diseases. Last evaluated: 2024-08-28. Review status: criteria provided, single submitter. Criteria: Ambry Variant Classification Scheme 2023. Collection method: clinical testing. Allele origin: germline.

NM_001291415.2(KDM6A):c.2282A>G (p.Gln761Arg)

Gene: KDM6A (lysine demethylase 6A; plus strand). Cytogenetic location: Xp11.3.
Variant type: single nucleotide variant.
Coding change: c.2282A>G on transcript NM_001291415.2 (MANE Select); coding-DNA position 2282, A replaced by G.
Protein change: p.Gln761Arg; replaces glutamine 761 with arginine.
Molecular consequence: missense variant. On other transcripts: non-coding transcript variant (1).
Genome position (GRCh38, 1-based): chrX:45,069,781, A>G. VCF-style: chrX-45069781-A-G. GRCh37 (hg19) VCF-style: chrX-44929026-A-G.
Other names: c.2126A>G (NM_021140.2); c.2147A>G, p.Gln716Arg (NM_001291416.2); c.1991A>G, p.Gln664Arg (NM_001291417.2); c.1889A>G, p.Gln630Arg (NM_001291418.2); c.1238A>G, p.Gln413Arg (NM_001291421.2); c.2024A>G, p.Gln675Arg (NM_001410742.1); c.2126A>G, p.Gln709Arg (NM_021140.4); short protein forms Q413R, Q630R, Q664R, Q675R, Q709R, Q716R, Q761R.
Identifiers: ClinVar variation 2417625 (VCV002417625.7), dbSNP rs1318537707, ClinGen allele CA412793083.